The following is an entry in ClinVar:

NM_005121.3(MED13):c.1223C>G (p.Ala408Gly)

Gene: MED13 (mediator complex subunit 13; minus strand). Cytogenetic location: 17q23.2.
Variant type: single nucleotide variant.
Coding change: c.1223C>G on transcript NM_005121.3 (MANE Select); coding-DNA position 1223, C replaced by G.
Protein change: p.Ala408Gly; replaces alanine 408 with glycine.
Molecular consequence: missense variant.
Genome position (GRCh38, 1-based): chr17:62,029,601, G>C on the plus strand (C>G on the coding strand, the complement: MED13 is on the minus strand). VCF-style: chr17-62029601-G-C. GRCh37 (hg19) VCF-style: chr17-60106962-G-C.
Other names: short protein forms A408G.
Identifiers: ClinVar variation 2648019 (VCV002648019.24), dbSNP rs767313099, ClinGen allele CA8693111.
Genomic context (GRCh38, chr17:62,029,601, plus strand): 5'-CTCAAACAACTGCAATTTGTTCTTTGTGTGGCTTCAACAAAATCCCAGGATGCCACTTTA[G>C]CAGCTGTCGCTTCTTCGCATAGACCACCTGATGAAGCAGAATACTTCCTCCTAAGATTTA-3'
Protein context (NP_005112.2, residues 398-418): SGGLCEEATA[Ala408Gly]KVASWDFVEA

ClinVar aggregate classification (germline): Likely benign (1 of 4 stars; one submission).

Allele frequency attached by ClinVar (database versions not stated): TOPMed 0.00007; gnomAD 0.00008; ExAC 0.00014; gnomAD exomes 0.00019.
gnomAD v4.1: 283 of 1,614,156 alleles (0.018%); highest among the groups gnomAD compares: South Asian, 0.069%; 3 homozygotes.

Submission:

CeGaT Center for Human Genetics Tuebingen
Classification: Likely benign. Last evaluated: 2022-11-01. Review status: criteria provided, single submitter. Criteria: CeGaT Center For Human Genetics Tuebingen Variant Classification Criteria Version 2. Collection method: clinical testing. Allele origin: germline. Affected: yes. Observed: 1 variant allele.
Comment: MED13: BP4